The following is an entry in ClinVar:

ClinVar aggregate classification (germline): Likely pathogenic. Review status: criteria provided, single submitter (1 of 4 stars). 2 submissions from 2 submitters: Likely pathogenic (1). 1 of the submissions does not count toward it. Last evaluated 2024-05-01.

Conditions:
SPTA1-related disorder. Also called: SPTA1-related disorders; SPTA1-related condition.

Allele frequency attached by ClinVar (database versions not stated): gnomAD exomes below 0.00001.

Submissions (2):

ARUP Laboratories, Molecular Genetics and Genomics, ARUP Laboratories
Classification: Likely pathogenic. Last evaluated: 2024-05-01. Review status: criteria provided, single submitter. Criteria: ARUP Molecular Germline Variant Investigation Process 2024. Collection method: clinical testing. Allele origin: germline.
Comment: The SPTA1 c.6291del; p.Asp2098ThrfsTer8 variant (rs758378706), to our knowledge, is not reported in the medical literature or gene specific databases. This variant is also absent from the Genome Aggregation Database (v2.1.1), indicating it is not a common polymorphism. This variant causes a frameshift by deleting a single nucleotide, so it is predicted to result in a truncated protein or mRNA subject to nonsense-mediated decay. Based on available information, this variant is considered to be likely pathogenic.

PreventionGenetics, part of Exact Sciences
Classification: Likely pathogenic for SPTA1-related condition. Last evaluated: 2024-02-10. Review status: no assertion criteria provided. Collection method: clinical testing. Allele origin: germline. Not counted in ClinVar's aggregate classification.
Comment: The SPTA1 c.6291delA variant is predicted to result in a frameshift and premature protein termination (p.Asp2098Thrfs*8). To our knowledge, this variant has not been reported in the literature or in a large population database, indicating this variant is rare. Frameshift variants in SPTA1 are expected to be pathogenic. This variant is interpreted as likely pathogenic.

NM_003126.4(SPTA1):c.6291del (p.Asp2098fs)

Gene: SPTA1 (spectrin alpha, erythrocytic 1; minus strand). Cytogenetic location: 1q23.1.
Variant type: Deletion.
Coding change: c.6291del on transcript NM_003126.4 (MANE Select); coding-DNA position 6291, one base deleted (A; older notation c.6291delA).
Protein change: p.Asp2098fs; shifts the reading frame from aspartic acid 2098.
Molecular consequence: frameshift variant.
Genome position (GRCh38, 1-based): chr1:158,620,296, T deleted on the plus strand (A on the coding strand, the reverse complement: SPTA1 is on the minus strand). VCF-style (leftmost placement, unchanged base first): chr1-158620295-CT-C. GRCh37 (hg19) VCF-style: chr1-158590085-CT-C.
Other names: short protein forms D2098fs.
Identifiers: ClinVar variation 3061246 (VCV003061246.3), dbSNP rs758378706, ClinGen allele CA31256320.